The following is an entry in ClinVar:

ClinVar aggregate classification (germline): Uncertain significance (1 of 4 stars; one submission).

Submission:

Labcorp Genetics (formerly Invitae), Labcorp
Classification: Uncertain significance. Last evaluated: 2022-09-01. Review status: criteria provided, single submitter. Criteria: Invitae Variant Classification Sherloc (09022015). Collection method: clinical testing. Allele origin: germline.
Comment: In summary, the available evidence is currently insufficient to determine the role of this variant in disease. Therefore, it has been classified as a Variant of Uncertain Significance. Algorithms developed to predict the effect of missense changes on protein structure and function output the following: SIFT: "Tolerated"; PolyPhen-2: "Benign"; Align-GVGD: "Class C0". The valine amino acid residue is found in multiple mammalian species, which suggests that this missense change does not adversely affect protein function. This variant has not been reported in the literature in individuals affected with ERMARD-related conditions. This variant is not present in population databases (gnomAD no frequency). This sequence change replaces isoleucine, which is neutral and non-polar, with valine, which is neutral and non-polar, at codon 34 of the ERMARD protein (p.Ile34Val).

NM_018341.3(ERMARD):c.100A>G (p.Ile34Val)

Gene: ERMARD (ER membrane associated RNA degradation; plus strand). Cytogenetic location: 6q27.
Variant type: single nucleotide variant.
Coding change: c.100A>G on transcript NM_018341.3 (MANE Select); coding-DNA position 100, A replaced by G.
Protein change: p.Ile34Val; replaces isoleucine 34 with valine.
Molecular consequence: missense variant. On other transcripts: intron variant (1).
Genome position (GRCh38, 1-based): chr6:169,753,957, A>G. VCF-style: chr6-169753957-A-G. GRCh37 (hg19) VCF-style: chr6-170154053-A-G.
Other names: c.100A>G, p.Ile34Val (NM_001278531.2, NM_001278533.2); c.-203-1326A>G (NM_001278532.2); short protein forms I34V.
Identifiers: ClinVar variation 2132242 (VCV002132242.4), dbSNP rs2537397485, ClinGen allele CA366503927.